The following is an entry in ClinVar:

ClinVar aggregate classification (germline): Likely benign (0 of 4 stars; one submission).

Conditions:
LRP1-related disorder. Also called: LRP1-related condition.

Allele frequency attached by ClinVar (database versions not stated): TOPMed below 0.00001; gnomAD 0.00003; gnomAD exomes 0.00005; ExAC 0.00015.
gnomAD v4.1: 75 of 1,551,360 alleles (0.0048%); highest among the groups gnomAD compares: South Asian, 0.08%; no homozygotes.

Submission:

PreventionGenetics, part of Exact Sciences
Classification: Likely benign for LRP1-related condition. Last evaluated: 2019-05-23. Review status: no assertion criteria provided. Collection method: clinical testing. Allele origin: germline.
Comment: This variant is classified as likely benign based on ACMG/AMP sequence variant interpretation guidelines (Richards et al. 2015 PMID: 25741868, with internal and published modifications).

NM_002332.3(LRP1):c.67+3G>A

Gene: LRP1 (LDL receptor related protein 1; plus strand). Cytogenetic location: 12q13.3.
Variant type: single nucleotide variant.
Coding change: c.67+3G>A on transcript NM_002332.3 (MANE Select); 3 bases into the intron after coding-DNA position 67, G replaced by A.
Molecular consequence: intron variant.
Genome position (GRCh38, 1-based): chr12:57,129,034, G>A. VCF-style: chr12-57129034-G-A. GRCh37 (hg19) VCF-style: chr12-57522817-G-A.
Identifiers: ClinVar variation 3044400 (VCV003044400.2), dbSNP rs770118882, ClinGen allele CA6642148.